The following is an entry in ClinVar:

NM_015047.3(EMC1):c.2794A>G (p.Thr932Ala)

Genes: EMC1 (ER membrane protein complex subunit 1; minus strand), EMC1-AS1 (EMC1 antisense RNA 1; plus strand). Cytogenetic location: 1p36.13.
Variant type: single nucleotide variant.
Coding change: c.2794A>G on transcript NM_015047.3 (MANE Select); coding-DNA position 2794, A replaced by G.
Protein change: p.Thr932Ala; replaces threonine 932 with alanine.
Molecular consequence: missense variant.
Genome position (GRCh38, 1-based): chr1:19,219,577, T>C on the plus strand (A>G on the coding strand, the complement: EMC1 is on the minus strand). VCF-style: chr1-19219577-T-C. GRCh37 (hg19) VCF-style: chr1-19546071-T-C.
Other names: c.2791A>G, p.Thr931Ala (NM_001271427.2, NM_001271428.2); c.2728A>G, p.Thr910Ala (NM_001271429.2); c.2803A>G, p.Thr935Ala (NM_001375820.1); c.2800A>G, p.Thr934Ala (NM_001375821.1); short protein forms T934A, T935A, T910A, T931A, T932A.
Identifiers: ClinVar variation 2813153 (VCV002813153.3), dbSNP rs2093415698, ClinGen allele CA338749628.

ClinVar aggregate classification (germline): Uncertain significance (1 of 4 stars; one submission).

Allele frequency attached by ClinVar (database versions not stated): gnomAD 0.00001.
gnomAD v4.1: 1 of 1,613,900 alleles (0.000062%); highest among the groups gnomAD compares: African/African-American, 0.0013%; no homozygotes.

Submission:

Labcorp Genetics (formerly Invitae), Labcorp
Classification: Uncertain significance. Last evaluated: 2024-08-20. Review status: criteria provided, single submitter. Criteria: Invitae Variant Classification Sherloc (09022015). Collection method: clinical testing. Allele origin: germline.
Comment: This sequence change replaces threonine, which is neutral and polar, with alanine, which is neutral and non-polar, at codon 932 of the EMC1 protein (p.Thr932Ala). This variant is not present in population databases (gnomAD no frequency). This variant has not been reported in the literature in individuals affected with EMC1-related conditions. Invitae Evidence Modeling of protein sequence and biophysical properties (such as structural, functional, and spatial information, amino acid conservation, physicochemical variation, residue mobility, and thermodynamic stability) indicates that this missense variant is expected to disrupt EMC1 protein function with a positive predictive value of 80%. In summary, the available evidence is currently insufficient to determine the role of this variant in disease. Therefore, it has been classified as a Variant of Uncertain Significance.